The following is an entry in ClinVar:

NM_138694.4(PKHD1):c.2184G>A (p.Leu728=)

Gene: PKHD1 (PKHD1 ciliary IPT domain containing fibrocystin/polyductin; minus strand). Cytogenetic location: 6p12.2.
Variant type: single nucleotide variant.
Coding change: c.2184G>A on transcript NM_138694.4 (MANE Select); coding-DNA position 2184, G replaced by A.
Protein change: p.Leu728=; no amino-acid change (leucine 728 retained).
Molecular consequence: synonymous variant.
Genome position (GRCh38, 1-based): chr6:52,050,252, C>T on the plus strand (G>A on the coding strand, the complement: PKHD1 is on the minus strand). VCF-style: chr6-52050252-C-T. GRCh37 (hg19) VCF-style: chr6-51915050-C-T.
Other names: c.2184G>A, p.Leu728= (NM_170724.3).
Identifiers: ClinVar variation 704744 (VCV000704744.12), dbSNP rs926797825, ClinGen allele CA138967842.

ClinVar aggregate classification (germline): Likely benign. Review status: criteria provided, single submitter (1 of 4 stars). 3 submissions from 3 submitters: Likely benign (1). 2 of the submissions do not count toward it. Last evaluated 2026-01-27.

Conditions:
PKHD1-related disorder. Also called: PKHD1-related condition.
Autosomal recessive polycystic kidney disease (ARPKD). Also called: AR polycystic kidney disease. Identifiers: Orphanet 731, Orphanet 8378, MedGen C0085548, MeSH D017044, MONDO:0009889.

Allele frequency attached by ClinVar (database versions not stated): gnomAD exomes 0.00001; gnomAD 0.00004 and 0.00005; TOPMed 0.00005.
gnomAD v4.1: 26 of 1,614,030 alleles (0.0016%); highest among the groups gnomAD compares: Admixed American, 0.0083%; no homozygotes.

Submissions (3):

Labcorp Genetics (formerly Invitae), Labcorp
Classification: Likely benign for Autosomal recessive polycystic kidney disease. Last evaluated: 2026-01-27. Review status: criteria provided, single submitter. Criteria: Invitae Variant Classification Sherloc (09022015). Collection method: clinical testing. Allele origin: germline.

PreventionGenetics, part of Exact Sciences
Classification: Likely benign for PKHD1-related condition. Last evaluated: 2022-04-22. Review status: no assertion criteria provided. Collection method: clinical testing. Allele origin: germline. Not counted in ClinVar's aggregate classification.
Comment: This variant is classified as likely benign based on ACMG/AMP sequence variant interpretation guidelines (Richards et al. 2015 PMID: 25741868, with internal and published modifications).

Natera, Inc.
Classification: Likely benign for Autosomal recessive polycystic kidney disease. Last evaluated: 2020-09-16. Review status: no assertion criteria provided. Collection method: clinical testing. Allele origin: germline. Not counted in ClinVar's aggregate classification.